The following is an entry in ClinVar:

ClinVar aggregate classification (germline): Conflicting classifications of pathogenicity. Review status: criteria provided, conflicting classifications (1 of 4 stars). 2 submissions from 2 submitters: Uncertain significance (1); Benign (1). Last evaluated 2025-09-09.

Conditions:
Hereditary cancer-predisposing syndrome. Also called: Hereditary neoplastic syndrome; Hereditary Cancer Syndrome; Neoplastic Syndromes, Hereditary; Tumor predisposition. Identifiers: Orphanet 140162, MedGen C0027672, MeSH D009386, MONDO:0015356.
Familial adenomatous polyposis 2. Also called: MYH-associated polyposis; COLORECTAL ADENOMATOUS POLYPOSIS, AUTOSOMAL RECESSIVE; ADENOMAS, MULTIPLE COLORECTAL, AUTOSOMAL RECESSIVE; MUTYH-related attenuated familial adenomatous polyposis; Adenomas, multiple colorectal; FAP type 2. Identifiers: Orphanet 220460, Orphanet 247798, MedGen C3272841, MONDO:0012041, OMIM 608456.

gnomAD v4.1: 2 of 1,613,902 alleles (0.00012%); highest among the groups gnomAD compares: Non-Finnish European, 0.00017%; no homozygotes.

Submissions (2):

Ambry Genetics
Classification: Benign for Hereditary cancer-predisposing syndrome. Last evaluated: 2025-09-09. Review status: criteria provided, single submitter. Criteria: Ambry Variant Classification Scheme 2023. Collection method: clinical testing. Allele origin: germline.

Labcorp Genetics (formerly Invitae), Labcorp
Classification: Uncertain significance for Familial adenomatous polyposis 2. Last evaluated: 2025-02-01. Review status: criteria provided, single submitter. Criteria: Invitae Variant Classification Sherloc (09022015). Collection method: clinical testing. Allele origin: germline.
Comment: This sequence change replaces asparagine, which is neutral and polar, with serine, which is neutral and polar, at codon 394 of the MUTYH protein (p.Asn394Ser). This variant is not present in population databases (gnomAD no frequency). This variant has not been reported in the literature in individuals affected with MUTYH-related conditions. ClinVar contains an entry for this variant (Variation ID: 486919). An algorithm developed to predict the effect of missense changes on protein structure and function outputs the following: PolyPhen-2: "Benign". The serine amino acid residue is found in multiple mammalian species, which suggests that this missense change does not adversely affect protein function. In summary, the available evidence is currently insufficient to determine the role of this variant in disease. Therefore, it has been classified as a Variant of Uncertain Significance.

Literature cited by the submitters: PubMed 40738107 (cited by Ambry Genetics).

NM_001048174.2(MUTYH):c.1097A>G (p.Asn366Ser)

Gene: MUTYH (mutY DNA glycosylase; minus strand). Cytogenetic location: 1p34.1.
Variant type: single nucleotide variant.
Coding change: c.1097A>G on transcript NM_001048174.2 (MANE Select); coding-DNA position 1097, A replaced by G.
Protein change: p.Asn366Ser; replaces asparagine 366 with serine.
Molecular consequence: missense variant. On other transcripts: non-coding transcript variant (2).
Genome position (GRCh38, 1-based): chr1:45,331,666, T>C on the plus strand (A>G on the coding strand, the complement: MUTYH is on the minus strand). VCF-style: chr1-45331666-T-C. GRCh37 (hg19) VCF-style: chr1-45797338-T-C.
Other names: c.1097A>G, p.Asn366Ser (NM_001048171.2, NM_001048173.2, NM_001293195.2); c.1100A>G, p.Asn367Ser (NM_001048172.2); c.1181A>G, p.Asn394Ser (NM_001128425.2); c.1142A>G, p.Asn381Ser (NM_001293190.2); c.1130A>G, p.Asn377Ser (NM_001293191.2); c.821A>G, p.Asn274Ser (NM_001293192.2, NM_001293196.2); c.752A>G, p.Asn251Ser (NM_001350650.2, NM_001350651.2); c.1172A>G, p.Asn391Ser (NM_012222.3); short protein forms N394S, N367S, N391S, N377S, N251S, N274S, N381S, N366S.
Identifiers: ClinVar variation 486919 (VCV000486919.8), dbSNP rs1553126299, ClinGen allele CA340133260.